The following is an entry in ClinVar:

ClinVar aggregate classification (germline): Likely benign. Review status: criteria provided, multiple submitters, no conflicts (2 of 4 stars). 4 submissions from 4 submitters: Likely benign (4). Last evaluated 2024-08-23.

Conditions:
Familial thoracic aortic aneurysm and aortic dissection (TAAD). Also called: Thoracic aortic aneurysms and dissections. Identifiers: Orphanet 91387, MedGen C4707243, MONDO:0019625.
Marfan syndrome (MFS). Also called: MARFAN SYNDROME, TYPE I; FBN1-Related Marfan Syndrome; Marfan syndrome type 1; Marfan's syndrome; Marfan syndrome, classic. Identifiers: Orphanet 284963, Orphanet 558, MedGen C0024796, MONDO:0007947, OMIM 154700.

Allele frequency attached by ClinVar (database versions not stated): gnomAD exomes below 0.00001; TOPMed below 0.00001.
gnomAD v4.1: 5 of 1,613,714 alleles (0.00031%); highest among the groups gnomAD compares: East Asian, 0.0045%; no homozygotes.

Submissions (4):

All of Us Research Program, National Institutes of Health
Classification: Likely benign for Marfan syndrome. Last evaluated: 2024-08-23. Review status: criteria provided, single submitter. Criteria: ACMG Guidelines, 2015. Collection method: clinical testing. Allele origin: germline. Inheritance: Autosomal dominant inheritance. Observed: 2 variant alleles, 2 heterozygotes.
Comment: This study involves interpretation of variants in research participants for the purpose of population health screening. Participant phenotype was not available at the time of variant classification. Additional details can be found in publication PMID: 35346344, PMCID: PMC8962531

Color Diagnostics, LLC DBA Color Health
Classification: Likely benign for Familial thoracic aortic aneurysm and aortic dissection. Last evaluated: 2024-08-15. Review status: criteria provided, single submitter. Criteria: ACMG Guidelines, 2015. Collection method: clinical testing. Allele origin: germline.

Ambry Genetics
Classification: Likely benign for Familial thoracic aortic aneurysm and aortic dissection. Last evaluated: 2023-02-25. Review status: criteria provided, single submitter. Criteria: Ambry Variant Classification Scheme 2023. Collection method: clinical testing. Allele origin: germline.

Labcorp Genetics (formerly Invitae), Labcorp
Classification: Likely benign for Marfan syndrome; Familial thoracic aortic aneurysm and aortic dissection. Last evaluated: 2022-12-05. Review status: criteria provided, single submitter. Criteria: Invitae Variant Classification Sherloc (09022015). Collection method: clinical testing. Allele origin: germline.

NM_000138.5(FBN1):c.6303G>A (p.Thr2101=)

Gene: FBN1 (fibrillin 1; minus strand). Cytogenetic location: 15q21.1.
Variant type: single nucleotide variant.
Coding change: c.6303G>A on transcript NM_000138.5 (MANE Select); coding-DNA position 6303, G replaced by A.
Protein change: p.Thr2101=; no amino-acid change (threonine 2101 retained).
Molecular consequence: synonymous variant.
Genome position (GRCh38, 1-based): chr15:48,437,778, C>T on the plus strand (G>A on the coding strand, the complement: FBN1 is on the minus strand). VCF-style: chr15-48437778-C-T. GRCh37 (hg19) VCF-style: chr15-48729975-C-T.
Other names: c.6303G>A (NM_000138.4).
Identifiers: ClinVar variation 2453685 (VCV002453685.8), dbSNP rs2043084739, ClinGen allele CA490019616.
Genomic context (GRCh38, chr15:48,437,778, plus strand): 5'-CCAGTCTGCACCCTGCATGGCCCAGAGAGAAATGCAGATGACAGACATACCATCAGGTTC[C>T]GTGGGGCAGAGCTCGCAGGGGTCTCCCCAGCCTTCTCCCTTCAAGGCACAGCAGCATTCC-3'
Protein context (NP_000129.3, residues 2091-2111): GWGDPCELCP[Thr2101=]EPDEAFRQIC